The following is an entry in ClinVar:

ClinVar aggregate classification (germline): Uncertain significance. Review status: criteria provided, multiple submitters, no conflicts (2 of 4 stars). 2 submissions from 2 submitters: Uncertain significance (2). Last evaluated 2021-05-11.

Submissions (2):

Blueprint Genetics
Classification: Uncertain significance. Last evaluated: 2021-05-11. Review status: criteria provided, single submitter. Criteria: ACMG Guidelines, 2015. Collection method: clinical testing. Allele origin: germline.

Labcorp Genetics (formerly Invitae), Labcorp
Classification: Uncertain significance. Last evaluated: 2021-02-16. Review status: criteria provided, single submitter. Criteria: Invitae Variant Classification Sherloc (09022015). Collection method: clinical testing. Allele origin: germline.
Comment: In summary, the available evidence is currently insufficient to determine the role of this variant in disease. Therefore, it has been classified as a Variant of Uncertain Significance. Advanced modeling of protein sequence and biophysical properties (such as structural, functional, and spatial information, amino acid conservation, physicochemical variation, residue mobility, and thermodynamic stability) performed at Invitae indicates that this missense variant is not expected to disrupt KMT2A protein function. This variant has not been reported in the literature in individuals with KMT2A-related conditions. This variant is not present in population databases (ExAC no frequency). This sequence change replaces serine with proline at codon 2973 of the KMT2A protein (p.Ser2973Pro). The serine residue is weakly conserved and there is a moderate physicochemical difference between serine and proline.

NM_001197104.2(KMT2A):c.8917T>C (p.Ser2973Pro)

Gene: KMT2A (lysine methyltransferase 2A; plus strand). Cytogenetic location: 11q23.3.
Variant type: single nucleotide variant.
Coding change: c.8917T>C on transcript NM_001197104.2 (MANE Select); coding-DNA position 8917, T replaced by C.
Protein change: p.Ser2973Pro; replaces serine 2973 with proline.
Molecular consequence: missense variant.
Genome position (GRCh38, 1-based): chr11:118,504,809, T>C. VCF-style: chr11-118504809-T-C. GRCh37 (hg19) VCF-style: chr11-118375524-T-C.
Other names: c.8908T>C, p.Ser2970Pro (NM_005933.4); short protein forms S2970P, S2973P.
Identifiers: ClinVar variation 1409698 (VCV001409698.9), dbSNP rs2134401647, ClinGen allele CA382817084.